The following is an entry in ClinVar:

ClinVar aggregate classification (germline): Uncertain significance. Review status: criteria provided, multiple submitters, no conflicts (2 of 4 stars). 2 submissions from 2 submitters: Uncertain significance (2). Last evaluated 2026-02-19.

gnomAD v4.1: 4 of 1,600,276 alleles (0.00025%); highest among the groups gnomAD compares: Non-Finnish European, 0.00034%; no homozygotes.

Submissions (2):

Ambry Genetics
Classification: Uncertain significance. Last evaluated: 2026-02-19. Review status: criteria provided, single submitter. Criteria: Ambry Variant Classification Scheme 2023. Collection method: clinical testing. Allele origin: germline.
Comment: The p.M611T variant (also known as c.1832T>C), located in coding exon 19 of the RASA2 gene, results from a T to C substitution at nucleotide position 1832. The methionine at codon 611 is replaced by threonine, an amino acid with similar properties. This amino acid position is conserved. In addition, this alteration is predicted to be deleterious by in silico analysis. Based on the available evidence, the clinical significance of this variant remains unclear.

Labcorp Genetics (formerly Invitae), Labcorp
Classification: Uncertain significance. Last evaluated: 2022-04-24. Review status: criteria provided, single submitter. Criteria: Invitae Variant Classification Sherloc (09022015). Collection method: clinical testing. Allele origin: germline.
Comment: In summary, the available evidence is currently insufficient to determine the role of this variant in disease. Therefore, it has been classified as a Variant of Uncertain Significance. This sequence change replaces methionine, which is neutral and non-polar, with threonine, which is neutral and polar, at codon 611 of the RASA2 protein (p.Met611Thr). This variant is not present in population databases (gnomAD no frequency). This variant has not been reported in the literature in individuals affected with RASA2-related conditions. Algorithms developed to predict the effect of missense changes on protein structure and function are either unavailable or do not agree on the potential impact of this missense change (SIFT: "Deleterious"; PolyPhen-2: "Benign"; Align-GVGD: "Class C0").

NM_006506.5(RASA2):c.1832T>C (p.Met611Thr)

Gene: RASA2 (RAS p21 protein activator 2; plus strand). Cytogenetic location: 3q23.
Variant type: single nucleotide variant.
Coding change: c.1832T>C on transcript NM_006506.5 (MANE Select); coding-DNA position 1832, T replaced by C.
Protein change: p.Met611Thr; replaces methionine 611 with threonine.
Molecular consequence: missense variant.
Genome position (GRCh38, 1-based): chr3:141,586,651, T>C. VCF-style: chr3-141586651-T-C. GRCh37 (hg19) VCF-style: chr3-141305493-T-C.
Other names: c.1832T>C (NM_006506.2); c.1832T>C, p.Met611Thr (NM_001303245.3, NM_001303246.3); short protein forms M611T.
Identifiers: ClinVar variation 1976953 (VCV001976953.6), dbSNP rs2478782796, ClinGen allele CA354782002.
Genomic context (GRCh38, chr3:141,586,651, plus strand): 5'-TTTGGATTAACTTTTAATTTTTATAGCTAAATGTTTACATCTGTTATGTTGGCAGTGAGA[T>C]GTATAAAAGAGCTCAAGGAAGAACTCGGATTGGAAAAAAGAATTTTAAGAAACGATGGTT-3'
Protein context (NP_006497.2, residues 601-621): SEPVHLKEGE[Met611Thr]YKRAQGRTRI